The following is an entry in ClinVar:

NM_005157.6(ABL1):c.3323_3324inv (p.Pro1108Leu)

Gene: ABL1 (ABL proto-oncogene 1, non-receptor tyrosine kinase; plus strand). Cytogenetic location: 9q34.12.
Variant type: Inversion.
Coding change: c.3323_3324inv on transcript NM_005157.6 (MANE Select).
Protein change: p.Pro1108Leu; replaces proline 1108 with leucine.
Molecular consequence: missense variant.
Genome position: GRCh38 VCF-style: chr9-130885613-CA-TG. GRCh37 (hg19) VCF-style: chr9-133761000-CA-TG.
Other names: c.3380_3381inv, p.Pro1127Leu (NM_007313.3); short protein forms P1108L, P1127L.
Identifiers: ClinVar variation 1936820 (VCV001936820.5), ClinGen allele CA2580079828.

ClinVar aggregate classification (germline): Uncertain significance (1 of 4 stars; one submission).

Submission:

Labcorp Genetics (formerly Invitae), Labcorp
Classification: Uncertain significance. Last evaluated: 2022-09-13. Review status: criteria provided, single submitter. Criteria: Invitae Variant Classification Sherloc (09022015). Collection method: clinical testing. Allele origin: germline.
Comment: In summary, the available evidence is currently insufficient to determine the role of this variant in disease. Therefore, it has been classified as a Variant of Uncertain Significance. Algorithms developed to predict the effect of missense changes on protein structure and function are either unavailable or do not agree on the potential impact of this missense change (SIFT: "Not Available"; PolyPhen-2: "Probably Damaging"; Align-GVGD: "Not Available"). This variant has not been reported in the literature in individuals affected with ABL1-related conditions. This variant is present in population databases (no rsID available, gnomAD 0.2%). This sequence change replaces proline, which is neutral and non-polar, with leucine, which is neutral and non-polar, at codon 1127 of the ABL1 protein (p.Pro1127Leu).